The following is an entry in ClinVar:

NC_000006.11:g.(?_64791729)_(64791915_?)del

Gene: EYS (eyes shut homolog; minus strand). Cytogenetic location: 6q12.
Variant type: Deletion.
Identifiers: ClinVar variation 3246095 (VCV003246095.1).

ClinVar aggregate classification (germline): Pathogenic (1 of 4 stars; one submission).

Submission:

Labcorp Genetics (formerly Invitae), Labcorp
Classification: Pathogenic. Last evaluated: 2024-01-02. Review status: criteria provided, single submitter. Criteria: Invitae Variant Classification Sherloc (09022015). Collection method: clinical testing. Allele origin: unknown.
Comment: This variant is a gross deletion of the genomic region encompassing exon(s) 32 of the EYS gene. This variant would be expected to be in-frame, preserving the integrity of the reading frame. A similar copy number variant has been observed in individuals with retinitis pigmentosa (PMID: 22363543; Invitae). This variant disrupts the p.Gly2186 amino acid residue in EYS. Other variant(s) that disrupt this residue have been determined to be pathogenic (PMID: 20237254, 25356976, 29625443). This suggests that this residue is clinically significant, and that variants that disrupt this residue are likely to be disease-causing. For these reasons, this variant has been classified as Pathogenic.

Literature cited by the submitters: PubMed 22363543; PubMed 20237254; PubMed 25356976; PubMed 29625443.